The following is an entry in ClinVar:

NM_000090.4(COL3A1):c.300T>G (p.Asn100Lys)

Gene: COL3A1 (collagen type III alpha 1 chain; plus strand). Cytogenetic location: 2q32.2.
Variant type: single nucleotide variant.
Coding change: c.300T>G on transcript NM_000090.4 (MANE Select); coding-DNA position 300, T replaced by G.
Protein change: p.Asn100Lys; replaces asparagine 100 with lysine.
Molecular consequence: missense variant.
Genome position (GRCh38, 1-based): chr2:188,985,214, T>G. VCF-style: chr2-188985214-T-G. GRCh37 (hg19) VCF-style: chr2-189849940-T-G.
Other names: short protein forms N100K.
Identifiers: ClinVar variation 925673 (VCV000925673.9), dbSNP rs776373729, ClinGen allele CA349847551.

ClinVar aggregate classification (germline): Uncertain significance. Review status: criteria provided, multiple submitters, no conflicts (2 of 4 stars). 5 submissions from 5 submitters: Uncertain significance (5). Last evaluated 2025-12-03.

Conditions:
Ehlers-Danlos syndrome, type 4 (EDSVASC). Also called: Ehlers-Danlos syndrome vascular type; Ehlers Danlos syndrome, ecchymotic type; Ehlers Danlos syndrome, arterial type; Ehlers Danlos syndrome, Sack-Barabas type; Ehlers-Danlos Syndrome Type IV. Identifiers: Orphanet 286, MedGen C0268338, MONDO:0017314, OMIM 130050.
Familial thoracic aortic aneurysm and aortic dissection (TAAD). Also called: Thoracic aortic aneurysms and dissections. Identifiers: Orphanet 91387, MedGen C4707243, MONDO:0019625.

gnomAD v4.1: 2 of 1,612,544 alleles (0.00012%); highest among the groups gnomAD compares: Non-Finnish European, 0.00017%; no homozygotes.

Submissions (5):

Labcorp Genetics (formerly Invitae), Labcorp
Classification: Uncertain significance for Ehlers-Danlos syndrome, type 4. Last evaluated: 2025-12-03. Review status: criteria provided, single submitter. Criteria: Invitae Variant Classification Sherloc (09022015). Collection method: clinical testing. Allele origin: germline.
Comment: This sequence change replaces asparagine, which is neutral and polar, with lysine, which is basic and polar, at codon 100 of the COL3A1 protein (p.Asn100Lys). This variant is not present in population databases (gnomAD no frequency). This variant has not been reported in the literature in individuals affected with COL3A1-related conditions. ClinVar contains an entry for this variant (Variation ID: 925673). Invitae Evidence Modeling of protein sequence and biophysical properties (such as structural, functional, and spatial information, amino acid conservation, physicochemical variation, residue mobility, and thermodynamic stability) indicates that this missense variant is not expected to disrupt COL3A1 protein function with a negative predictive value of 95%. In summary, the available evidence is currently insufficient to determine the role of this variant in disease. Therefore, it has been classified as a Variant of Uncertain Significance.

Color Diagnostics, LLC DBA Color Health
Classification: Uncertain significance for Familial thoracic aortic aneurysm and aortic dissection. Last evaluated: 2024-03-06. Review status: criteria provided, single submitter. Criteria: ACMG Guidelines, 2015. Collection method: clinical testing. Allele origin: germline.
Comment: This missense variant replaces asparagine with lysine at codon 100 of the COL3A1 protein. Computational prediction suggests that this variant may not impact protein structure and function (internally defined REVEL score threshold <= 0.5, PMID: 27666373). Computational splicing tools suggest that this variant may impact RNA splicing by creating a new splice acceptor site. To our knowledge, functional studies have not been reported for this variant. This variant has not been reported in individuals affected with COL3A1-related disorders in the literature. This variant has not been identified in the general population by the Genome Aggregation Database (gnomAD). The available evidence is insufficient to determine the role of this variant in disease conclusively. Therefore, this variant is classified as a Variant of Uncertain Significance.

Ambry Genetics
Classification: Uncertain significance for Familial thoracic aortic aneurysm and aortic dissection. Last evaluated: 2024-02-21. Review status: criteria provided, single submitter. Criteria: Ambry Variant Classification Scheme 2023. Collection method: clinical testing. Allele origin: germline.
Comment: The p.N100K variant (also known as c.300T>G), located in coding exon 3 of the COL3A1 gene, results from a T to G substitution at nucleotide position 300. The asparagine at codon 100 is replaced by lysine, an amino acid with similar properties. This amino acid position is poorly conserved in available vertebrate species. In addition, this alteration is predicted to be tolerated by in silico analysis. Based on the available evidence, the clinical significance of this alteration remains unclear.

Revvity Omics, Revvity
Classification: Uncertain significance. Last evaluated: 2024-02-08. Review status: criteria provided, single submitter. Criteria: ACMG Guidelines, 2015. Collection method: clinical testing. Allele origin: germline.

All of Us Research Program, National Institutes of Health
Classification: Uncertain significance for Ehlers-Danlos syndrome, type 4. Last evaluated: 2023-03-23. Review status: criteria provided, single submitter. Criteria: ACMG Guidelines, 2015. Collection method: clinical testing. Allele origin: germline. Inheritance: Autosomal dominant inheritance. Observed: 1 variant allele, 1 heterozygote.
Comment: This missense variant replaces asparagine with lysine at codon 100 of the COL3A1 protein. Computational prediction suggests that this variant may not impact protein structure and function (internally defined REVEL score threshold <= 0.5, PMID: 27666373). Computational splicing tools suggest that this variant may impact RNA splicing by creating a new splice acceptor site. To our knowledge, functional studies have not been reported for this variant. This variant has not been reported in individuals affected with COL3A1-related disorders in the literature. This variant has not been identified in the general population by the Genome Aggregation Database (gnomAD). The available evidence is insufficient to determine the role of this variant in disease conclusively. Therefore, this variant is classified as a Variant of Uncertain Significance.

This study involves interpretation of variants in research participants for the purpose of population health screening. Participant phenotype was not available at the time of variant classification. Additional details can be found in publication PMID: 35346344, PMCID: PMC8962531